The following is an entry in ClinVar:

ClinVar aggregate classification (germline): Uncertain significance. Review status: criteria provided, multiple submitters, no conflicts (2 of 4 stars). 2 submissions from 2 submitters: Uncertain significance (2). Last evaluated 2025-05-23.

Conditions:
Inborn genetic diseases. Identifiers: MedGen C0950123, MeSH D030342.

Submissions (2):

Ambry Genetics
Classification: Uncertain significance for Inborn genetic diseases. Last evaluated: 2025-05-23. Review status: criteria provided, single submitter. Criteria: Ambry Variant Classification Scheme 2023. Collection method: clinical testing. Allele origin: germline.

GeneDx
Classification: Uncertain significance. Last evaluated: 2024-02-22. Review status: criteria provided, single submitter. Criteria: GeneDx Variant Classification Process June 2021. Collection method: clinical testing. Allele origin: germline. Affected: yes.
Comment: Not observed at significant frequency in large population cohorts (gnomAD); In silico analysis supports that this missense variant has a deleterious effect on protein structure/function; Has not been previously published as pathogenic or benign to our knowledge

NM_001967.4(EIF4A2):c.833T>C (p.Ile278Thr)

Gene: EIF4A2 (eukaryotic translation initiation factor 4A2; plus strand). Cytogenetic location: 3q27.3.
Variant type: single nucleotide variant.
Coding change: c.833T>C on transcript NM_001967.4 (MANE Select); coding-DNA position 833, T replaced by C.
Protein change: p.Ile278Thr; replaces isoleucine 278 with threonine.
Molecular consequence: missense variant.
Genome position (GRCh38, 1-based): chr3:186,787,188, T>C. VCF-style: chr3-186787188-T-C. GRCh37 (hg19) VCF-style: chr3-186504977-T-C.
Other names: short protein forms I278T.
Identifiers: ClinVar variation 3369478 (VCV003369478.2).